The following is an entry in ClinVar:

NM_001042492.3(NF1):c.3168A>C (p.Ala1056=)

Gene: NF1 (neurofibromin 1; plus strand). Cytogenetic location: 17q11.2.
Variant type: single nucleotide variant.
Coding change: c.3168A>C on transcript NM_001042492.3 (MANE Select); coding-DNA position 3168, A replaced by C.
Protein change: p.Ala1056=; no amino-acid change (alanine 1056 retained).
Molecular consequence: synonymous variant.
Genome position (GRCh38, 1-based): chr17:31,230,896, A>C. VCF-style: chr17-31230896-A-C. GRCh37 (hg19) VCF-style: chr17-29557914-A-C.
Other names: c.3168A>C, p.Ala1056= (NM_000267.4).
Identifiers: ClinVar variation 4875889 (VCV004875889.1).

ClinVar aggregate classification (germline): Benign (1 of 4 stars; one submission).

Conditions:
Neurofibromatosis, type 1 (NF1). Also called: VON RECKLINGHAUSEN DISEASE; NEUROFIBROMATOSIS, TYPE I, SOMATIC; Peripheral type neurofibromatosis; Neurofibromatosis, type I. Identifiers: Orphanet 636, MedGen C0027831, MONDO:0018975, OMIM 162200. Disease mechanism: loss of function.

Submission:

Myriad Genetics, Inc.
Classification: Benign for Neurofibromatosis, type 1. Last evaluated: 2026-05-20. Review status: criteria provided, single submitter. Criteria: Myriad Autosomal Dominant, Autosomal Recessive and X-Linked Classification Criteria (2023). Collection method: clinical testing. Allele origin: unknown.
Comment: This variant is considered benign. This variant is a silent/synonymous amino acid change and it is not expected to impact splicing.